The following is an entry in ClinVar:

NM_033131.4(WNT3A):c.952G>C (p.Ala318Pro)

Gene: WNT3A (Wnt family member 3A; plus strand). Cytogenetic location: 1q42.13.
Variant type: single nucleotide variant.
Coding change: c.952G>C on transcript NM_033131.4 (MANE Select); coding-DNA position 952, G replaced by C.
Protein change: p.Ala318Pro; replaces alanine 318 with proline.
Molecular consequence: missense variant.
Genome position (GRCh38, 1-based): chr1:228,059,358, G>C. VCF-style: chr1-228059358-G-C. GRCh37 (hg19) VCF-style: chr1-228247059-G-C.
Other names: c.952G>C (NM_033131.3); short protein forms A318P.
Identifiers: ClinVar variation 1901012 (VCV001901012.6), dbSNP rs1000804649, ClinGen allele CA39148133.
Genomic context (GRCh38, chr1:228,059,358, plus strand): 5'-AACGTCAGCTCGCACGGCATCGACGGCTGCGACCTGCTGTGCTGCGGCCGCGGCCACAAC[G>C]CGCGAGCGGAGCGGCGCCGGGAGAAGTGCCGCTGCGTGTTCCACTGGTGCTGCTACGTCA-3'
Protein context (NP_149122.1, residues 308-328): DLLCCGRGHN[Ala318Pro]RAERRREKCR

ClinVar aggregate classification (germline): Uncertain significance. Review status: criteria provided, multiple submitters, no conflicts (2 of 4 stars). 2 submissions from 2 submitters: Uncertain significance (2). Last evaluated 2025-06-22.

Allele frequency attached by ClinVar (database versions not stated): gnomAD 0.00003; TOPMed 0.00003.
gnomAD v4.1: 6 of 1,565,010 alleles (0.00038%); highest among the groups gnomAD compares: African/African-American, 0.0068%; no homozygotes.

Submissions (2):

Ambry Genetics
Classification: Uncertain significance. Last evaluated: 2025-06-22. Review status: criteria provided, single submitter. Criteria: Ambry Variant Classification Scheme 2023. Collection method: clinical testing. Allele origin: germline.

Labcorp Genetics (formerly Invitae), Labcorp
Classification: Uncertain significance. Last evaluated: 2024-04-22. Review status: criteria provided, single submitter. Criteria: Invitae Variant Classification Sherloc (09022015). Collection method: clinical testing. Allele origin: germline.
Comment: This sequence change replaces alanine, which is neutral and non-polar, with proline, which is neutral and non-polar, at codon 318 of the WNT3A protein (p.Ala318Pro). This variant is present in population databases (no rsID available, gnomAD 0.01%). This variant has not been reported in the literature in individuals affected with WNT3A-related conditions. ClinVar contains an entry for this variant (Variation ID: 1901012). Advanced modeling of protein sequence and biophysical properties (such as structural, functional, and spatial information, amino acid conservation, physicochemical variation, residue mobility, and thermodynamic stability) performed at Invitae indicates that this missense variant is not expected to disrupt WNT3A protein function with a negative predictive value of 80%. In summary, the available evidence is currently insufficient to determine the role of this variant in disease. Therefore, it has been classified as a Variant of Uncertain Significance.